The following is an entry in ClinVar:

NM_003239.5(TGFB3):c.989G>A (p.Trp330Ter)

Gene: TGFB3 (transforming growth factor beta 3; minus strand). Cytogenetic location: 14q24.3.
Variant type: single nucleotide variant.
Coding change: c.989G>A on transcript NM_003239.5 (MANE Select); coding-DNA position 989, G replaced by A.
Protein change: p.Trp330Ter; replaces tryptophan 330 with a stop codon.
Molecular consequence: nonsense.
Genome position (GRCh38, 1-based): chr14:75,961,014, C>T on the plus strand (G>A on the coding strand, the complement: TGFB3 is on the minus strand). VCF-style: chr14-75961014-C-T. GRCh37 (hg19) VCF-style: chr14-76427357-C-T.
Other names: c.989G>A, p.Trp330Ter (NM_001329939.2); c.989G>A (NM_003239.4); short protein forms W330*.
Identifiers: ClinVar variation 477652 (VCV000477652.8), dbSNP rs1555360222, ClinGen allele CA390467972.

ClinVar aggregate classification (germline): Pathogenic/Likely pathogenic. Review status: criteria provided, multiple submitters, no conflicts (2 of 4 stars). 2 submissions from 2 submitters: Pathogenic (1); Likely pathogenic (1). Last evaluated 2025-12-29.

Conditions:
Rienhoff syndrome. Also called: LOEYS-DIETZ SYNDROME 5. Identifiers: MedGen C3810012, MONDO:0014262, OMIM 615582.

Submissions (2):

Labcorp Genetics (formerly Invitae), Labcorp
Classification: Pathogenic for Rienhoff syndrome. Last evaluated: 2025-12-29. Review status: criteria provided, single submitter. Criteria: Invitae Variant Classification Sherloc (09022015). Collection method: clinical testing. Allele origin: germline.
Comment: This sequence change creates a premature translational stop signal (p.Trp330*) in the TGFB3 gene. It is expected to result in an absent or disrupted protein product. Loss-of-function variants in TGFB3 are known to be pathogenic (PMID: 25835445, 26188975). This variant is not present in population databases (gnomAD no frequency). This premature translational stop signal has been observed in individual(s) with sudden cardiac death (PMID: 34076677). ClinVar contains an entry for this variant (Variation ID: 477652). For these reasons, this variant has been classified as Pathogenic.

Clinical Genetics Laboratory, Skane University Hospital Lund
Classification: Likely pathogenic. Last evaluated: 2022-05-27. Review status: criteria provided, single submitter. Criteria: ACMG Guidelines, 2015. Collection method: clinical testing. Allele origin: germline. Affected: yes.

Literature cited by the submitters: PubMed 25835445 (cited by Labcorp Genetics (formerly Invitae), Labcorp); PubMed 26188975 (cited by Labcorp Genetics (formerly Invitae), Labcorp); PubMed 34076677 (cited by Labcorp Genetics (formerly Invitae), Labcorp).